The following is an entry in ClinVar:

ClinVar aggregate classification (germline): Benign (1 of 4 stars; one submission).

Allele frequency attached by ClinVar (database versions not stated): 1000 Genomes Project 30x 0.46268; 1000 Genomes Project 0.47145.
gnomAD v4.1: 820,617 of 1,334,146 alleles (62%); highest among the groups gnomAD compares: Non-Finnish European, 65%; 259,974 homozygotes.

Submission:

Unidad de Genómica Garrahan, Hospital de Pediatría Garrahan
Classification: Benign. Last evaluated: 2024-01-24. Review status: criteria provided, single submitter. Criteria: ACMG Guidelines, 2015. Collection method: clinical testing. Allele origin: germline. Affected: no. Observed: 85 variant alleles.
Comment: This variant is classified as Benign based on local population frequency. This variant was detected in 89% of patients studied by a panel of primary immunodeficiencies. Number of patients: 85. Only high quality variants are reported.

NM_005488.3(TOM1):c.52+104G>C

Gene: TOM1 (target of myb1 membrane trafficking protein; plus strand). Cytogenetic location: 22q12.3.
Variant type: single nucleotide variant.
Coding change: c.52+104G>C on transcript NM_005488.3 (MANE Select); 104 bases into the intron after coding-DNA position 52, G replaced by C.
Molecular consequence: intron variant.
Genome position (GRCh38, 1-based): chr22:35,300,084, G>C. VCF-style: chr22-35300084-G-C. GRCh37 (hg19) VCF-style: chr22-35696077-G-C.
Other names: c.-48+706G>C (NM_001135729.2); c.52+104G>C (NM_001135732.2, NM_001135730.2).
Identifiers: ClinVar variation 2687946 (VCV002687946.2), dbSNP rs138728, ClinGen allele CA14939507.
Genomic context (GRCh38, chr22:35,300,084, plus strand): 5'-ACCCAGCTTCGGTCCCCTGGGAAGCCTCCGGGTGCCTAGTCACGGAGGCAGGGAGGGCAA[G>C]GAGGCTGGCGTGTAGCTCTCCGACCTGGCTCCGCCCAGCTTTCCTCCCACTCTTGATTGA-3'